The following is an entry in ClinVar:

ClinVar aggregate classification (germline): Uncertain significance (1 of 4 stars; one submission).

Submission:

Labcorp Genetics (formerly Invitae), Labcorp
Classification: Uncertain significance. Last evaluated: 2025-08-06. Review status: criteria provided, single submitter. Criteria: Invitae Variant Classification Sherloc (09022015). Collection method: clinical testing. Allele origin: germline.
Comment: This sequence change replaces tyrosine, which is neutral and polar, with cysteine, which is neutral and slightly polar, at codon 244 of the POLE protein (p.Tyr244Cys). This variant is not present in population databases (gnomAD no frequency). This variant has not been reported in the literature in individuals affected with POLE-related conditions. Invitae Evidence Modeling of protein sequence and biophysical properties (such as structural, functional, and spatial information, amino acid conservation, physicochemical variation, residue mobility, and thermodynamic stability) indicates that this missense variant is expected to disrupt POLE protein function with a positive predictive value of 80%. In summary, the available evidence is currently insufficient to determine the role of this variant in disease. Therefore, it has been classified as a Variant of Uncertain Significance.

NM_006231.4(POLE):c.731A>G (p.Tyr244Cys)

Gene: POLE (DNA polymerase epsilon, catalytic subunit; minus strand). Cytogenetic location: 12q24.33.
Variant type: single nucleotide variant.
Coding change: c.731A>G on transcript NM_006231.4 (MANE Select); coding-DNA position 731, A replaced by G.
Protein change: p.Tyr244Cys; replaces tyrosine 244 with cysteine.
Molecular consequence: missense variant.
Genome position (GRCh38, 1-based): chr12:132,677,433, T>C on the plus strand (A>G on the coding strand, the complement: POLE is on the minus strand). VCF-style: chr12-132677433-T-C. GRCh37 (hg19) VCF-style: chr12-133254019-T-C.
Other names: short protein forms Y244C.
Identifiers: ClinVar variation 4737207 (VCV004737207.1).
Genomic context (GRCh38, chr12:132,677,433, plus strand): 5'-ACAAGGTCATCTCGGCGGGTGATTTCTACCGGAAAAGCATTTCCTCGGTATCTGACATTG[T>C]ACCAATGAGCCTGCAAAACACACAGTGTGCTAACTAGAGTTCTACATCCAGGAAAGTCTA-3'
Protein context (NP_006222.2, residues 234-254): IDLKIHVAHW[Tyr244Cys]NVRYRGNAFP